The following is an entry in ClinVar:

NM_145068.4(TRPV3):c.158A>G (p.Asn53Ser)

Gene: TRPV3 (transient receptor potential cation channel subfamily V member 3; minus strand). Cytogenetic location: 17p13.2.
Variant type: single nucleotide variant.
Coding change: c.158A>G on transcript NM_145068.4 (MANE Select); coding-DNA position 158, A replaced by G.
Protein change: p.Asn53Ser; replaces asparagine 53 with serine.
Molecular consequence: missense variant.
Genome position (GRCh38, 1-based): chr17:3,545,233, T>C on the plus strand (A>G on the coding strand, the complement: TRPV3 is on the minus strand). VCF-style: chr17-3545233-T-C. GRCh37 (hg19) VCF-style: chr17-3448527-T-C.
Other names: c.158A>G, p.Asn53Ser (NM_001258205.2); short protein forms N53S.
Identifiers: ClinVar variation 1350304 (VCV001350304.1), dbSNP rs2150802998, ClinGen allele CA397689877.

ClinVar aggregate classification (germline): Uncertain significance (1 of 4 stars; one submission).

gnomAD v4.1: 1 of 1,613,348 alleles (0.000062%); highest among the groups gnomAD compares: Middle Eastern, 0.017%; no homozygotes.

Submission:

Labcorp Genetics (formerly Invitae), Labcorp
Classification: Uncertain significance. Last evaluated: 2021-11-18. Review status: criteria provided, single submitter. Criteria: Invitae Variant Classification Sherloc (09022015). Collection method: clinical testing. Allele origin: germline.
Comment: This sequence change replaces asparagine, which is neutral and polar, with serine, which is neutral and polar, at codon 53 of the TRPV3 protein (p.Asn53Ser). This variant is not present in population databases (gnomAD no frequency). This variant has not been reported in the literature in individuals affected with TRPV3-related conditions. Algorithms developed to predict the effect of missense changes on protein structure and function output the following: SIFT: "Tolerated"; PolyPhen-2: "Benign"; Align-GVGD: "Class C0". The serine amino acid residue is found in multiple mammalian species, which suggests that this missense change does not adversely affect protein function. In summary, the available evidence is currently insufficient to determine the role of this variant in disease. Therefore, it has been classified as a Variant of Uncertain Significance.